The following is an entry in ClinVar:

ClinVar aggregate classification (germline): Uncertain significance (1 of 4 stars; one submission).

gnomAD v4.1: 3 of 1,606,888 alleles (0.00019%); highest among the groups gnomAD compares: South Asian, 0.0011%; no homozygotes.

Submission:

Women's Health and Genetics/Laboratory Corporation of America, LabCorp
Classification: Uncertain significance. Last evaluated: 2025-05-20. Review status: criteria provided, single submitter. Criteria: LabCorp Variant Classification Summary - May 2015. Collection method: clinical testing. Allele origin: germline.
Comment: Variant summary: MYO7A c.199G>A (p.Val67Met) results in a conservative amino acid change in the encoded protein sequence. Algorithms developed to predict the effect of missense changes on protein structure and function are either unavailable or do not agree on the potential impact of this missense change. The frequency data for this variant in gnomAD is considered unreliable, as metrics indicate poor data quality at this position. c.199G>A has been observed in an individual affected with Usher Syndrome (e.g, Bharadwaj_2000, Bujakowska_2014). However, co-occurrence with a homozygous pathogenic variant has been reported in this individual (CDH23 c.2630_2633del, Phe877*), providing supporting evidence for a benign role (Bujakowska_2014). These reports do not provide unequivocal conclusions about association of the variant with Usher Syndrome. To our knowledge, no experimental evidence demonstrating an impact on protein function has been reported. The following publications have been ascertained in the context of this evaluation (PMID: 10930322, 25468891). No submitters have cited clinical-significance assessments for this variant to ClinVar. Based on the evidence outlined above, the variant was classified as uncertain significance.

Literature cited by the submitters: PubMed 25468891; PubMed 10930322.

NM_000260.4(MYO7A):c.199G>A (p.Val67Met)

Gene: MYO7A (myosin VIIA; plus strand). Cytogenetic location: 11q13.5.
Variant type: single nucleotide variant.
Coding change: c.199G>A on transcript NM_000260.4 (MANE Select); coding-DNA position 199, G replaced by A.
Protein change: p.Val67Met; replaces valine 67 with methionine.
Molecular consequence: missense variant.
Genome position (GRCh38, 1-based): chr11:77,147,864, G>A. VCF-style: chr11-77147864-G-A. GRCh37 (hg19) VCF-style: chr11-76858910-G-A.
Other names: c.199G>A, p.Val67Met (NM_001127180.2); c.166G>A, p.Val56Met (NM_001369365.1); short protein forms V56M, V67M.
Identifiers: ClinVar variation 3902110 (VCV003902110.1).